The following is an entry in ClinVar:

ClinVar aggregate classification (germline): Likely pathogenic (1 of 4 stars; one submission).

Conditions:
Spastic paraplegia-severe developmental delay-epilepsy syndrome. Also called: Spastic paraplegia and psychomotor retardation with or without seizures. Identifiers: Orphanet 464282, MedGen C4225215, MONDO:0014764, OMIM 616756.

Submission:

Genetics Department, Catlab
Classification: Likely pathogenic for Spastic paraplegia-severe developmental delay-epilepsy syndrome. Last evaluated: 2025-01-28. Review status: criteria provided, single submitter. Criteria: ACMG Guidelines, 2015. Collection method: clinical testing. Allele origin: biparental. Affected: yes. Observed: 1 variant allele.
Comment: The c.1506dup variant in the HACE1 gene is a loss of function variant predicted to undergo nonsense mediated decay, and loss of function variants have been described as a causing mechanism for the gene (PVS1). The variant is absent from the gnomAD database (PM2). With all the available evidence, the variant is classified as likely pathogenic.

NM_020771.4(HACE1):c.1506dup (p.His503fs)

Gene: HACE1 (HECT domain and ankyrin repeat containing E3 ubiquitin protein ligase 1; minus strand). Cytogenetic location: 6q16.3.
Variant type: Duplication.
Coding change: c.1506dup on transcript NM_020771.4 (MANE Select); coding-DNA position 1506, one base duplicated (T; older notation c.1506dupT).
Protein change: p.His503fs; shifts the reading frame from histidine 503.
Molecular consequence: frameshift variant. On other transcripts: non-coding transcript variant (7).
Genome position (GRCh38, 1-based): chr6:104,784,146, A duplicated on the plus strand (T on the coding strand, the reverse complement: HACE1 is on the minus strand); the first of 3 consecutive A bases (chr6:104,784,146-104,784,148); duplicating any one gives the same sequence. VCF-style (leftmost placement, unchanged base first): chr6-104784145-G-GA. GRCh37 (hg19) VCF-style: chr6-105232020-G-GA.
Other names: c.1374dup, p.His459fs (NM_001321080.2); c.1404dup, p.His469fs (NM_001321083.2); c.1002dup, p.His335fs (NM_001321084.2, NM_001350557.2, NM_001350558.2); c.1272dup, p.His425fs (NM_001350554.2); c.1215dup, p.His406fs (NM_001350555.2); c.1020dup, p.His341fs (NM_001350556.2); c.924dup, p.His309fs (NM_001350559.2); c.723dup, p.His242fs (NM_001350560.2); short protein forms H242fs, H309fs, H335fs, H341fs, H406fs, H425fs, H459fs, H469fs.
Identifiers: ClinVar variation 3899864 (VCV003899864.1).
Genomic context (GRCh38, chr6:104,784,145, plus strand): 5'-CCTGTGCTTTTATGATATGCATGAATCTTGACATCAACTCAGGACATTCAAGGAGAAAGT[G>GA]AAAGTGGTCAAATATAATTTTGGGATTTCTAAAAGAAAAATATTTTGTTTAAATGGACAG-3'